The following is an entry in ClinVar:

ClinVar aggregate classification (germline): Likely benign. Review status: criteria provided, multiple submitters, no conflicts (2 of 4 stars). 3 submissions from 3 submitters: Likely benign (3). Last evaluated 2025-09-23.

Conditions:
KMT2A-related disorder. Also called: KMT2A-related condition.
Wiedemann-Steiner syndrome (WDSTS). Also called: Growth deficiency and mental retardation with facial dysmorphism. Identifiers: Orphanet 319182, MedGen C1854630, MONDO:0011518, OMIM 605130.

Allele frequency attached by ClinVar (database versions not stated): ExAC 0.00001; gnomAD exomes 0.00002 and 0.00005; gnomAD 0.00005 and 0.00006; TOPMed 0.00008.
gnomAD v4.1: 81 of 1,614,008 alleles (0.005%); highest among the groups gnomAD compares: Non-Finnish European, 0.0065%; no homozygotes.

Submissions (3):

PreventionGenetics, part of Exact Sciences
Classification: Likely benign for KMT2A-related condition. Last evaluated: 2025-09-23. Review status: criteria provided, single submitter. Criteria: ACMG Guidelines, 2015. Collection method: clinical testing. Allele origin: germline.
Comment: This variant is classified as likely benign based on ACMG/AMP sequence variant interpretation guidelines (Richards et al. 2015 PMID: 25741868, with internal and published modifications).

Labcorp Genetics (formerly Invitae), Labcorp
Classification: Likely benign. Last evaluated: 2025-07-02. Review status: criteria provided, single submitter. Criteria: Invitae Variant Classification Sherloc (09022015). Collection method: clinical testing. Allele origin: germline.

Fulgent Genetics
Classification: Likely benign for Wiedemann-Steiner syndrome. Last evaluated: 2021-12-15. Review status: criteria provided, single submitter. Criteria: ACMG Guidelines, 2015. Collection method: clinical testing. Allele origin: unknown.

NM_001197104.2(KMT2A):c.9342A>C (p.Thr3114=)

Gene: KMT2A (lysine methyltransferase 2A; plus strand). Cytogenetic location: 11q23.3.
Variant type: single nucleotide variant.
Coding change: c.9342A>C on transcript NM_001197104.2 (MANE Select); coding-DNA position 9342, A replaced by C.
Protein change: p.Thr3114=; no amino-acid change (threonine 3114 retained).
Molecular consequence: synonymous variant.
Genome position (GRCh38, 1-based): chr11:118,505,234, A>C. VCF-style: chr11-118505234-A-C. GRCh37 (hg19) VCF-style: chr11-118375949-A-C.
Other names: c.9342A>C (NM_001197104.1); c.9333A>C, p.Thr3111= (NM_005933.4).
Identifiers: ClinVar variation 1671442 (VCV001671442.10), dbSNP rs782427944, ClinGen allele CA6304576.